The following is an entry in ClinVar:

ClinVar aggregate classification (germline): Uncertain significance. Review status: criteria provided, multiple submitters, no conflicts (2 of 4 stars). 5 submissions from 5 submitters: Uncertain significance (4). 1 of the submissions does not count toward it. Last evaluated 2026-02-11.

Conditions:
Hereditary cancer-predisposing syndrome. Also called: Tumor predisposition; Hereditary neoplastic syndrome; Neoplastic Syndromes, Hereditary; Hereditary Cancer Syndrome. Identifiers: Orphanet 140162, MedGen C0027672, MeSH D009386, MONDO:0015356.
Bloom syndrome (BLM). Also called: Bloom-Torre-Machacek syndrome. Identifiers: Orphanet 125, MedGen C0005859, MONDO:0008876, OMIM 210900.

Allele frequency attached by ClinVar (database versions not stated): gnomAD exomes below 0.00001 and 0.00001; gnomAD 0.00001; TOPMed 0.00003.
gnomAD v4.1: 13 of 1,613,560 alleles (0.00081%); highest among the groups gnomAD compares: Non-Finnish European, 0.0011%; no homozygotes.

Submissions (5):

St. Jude Molecular Pathology, St. Jude Children's Research Hospital
Classification: Uncertain significance for Bloom syndrome. Last evaluated: 2026-02-11. Review status: criteria provided, single submitter. Criteria: St. Jude Assertion Criteria 2020. Collection method: clinical testing. Allele origin: germline.
Comment: The BLM c.1913A>C p.(Asn638Thr) missense change has a maximum subpopulation frequency of 0.0009% in gnomAD v2.1.1. The in silico tool REVEL predicts a benign effect on protein function, but to our knowledge this prediction has not been confirmed by functional studies. To our knowledge, this variant has not been reported in individuals with Bloom syndrome. In summary, the evidence currently available is insufficient to determine the clinical significance of this variant. It has therefore been classified as of uncertain significance.

Labcorp Genetics (formerly Invitae), Labcorp
Classification: Uncertain significance for Bloom syndrome. Last evaluated: 2026-02-04. Review status: criteria provided, single submitter. Criteria: Invitae Variant Classification Sherloc (09022015). Collection method: clinical testing. Allele origin: germline.
Comment: This sequence change replaces asparagine, which is neutral and polar, with threonine, which is neutral and polar, at codon 638 of the BLM protein (p.Asn638Thr). This variant is present in population databases (rs587778110, gnomAD 0.0009%). This variant has not been reported in the literature in individuals affected with BLM-related conditions. ClinVar contains an entry for this variant (Variation ID: 133716). Invitae Evidence Modeling of protein sequence and biophysical properties (such as structural, functional, and spatial information, amino acid conservation, physicochemical variation, residue mobility, and thermodynamic stability) indicates that this missense variant is not expected to disrupt BLM protein function with a negative predictive value of 80%. In summary, the available evidence is currently insufficient to determine the role of this variant in disease. Therefore, it has been classified as a Variant of Uncertain Significance.

Ambry Genetics
Classification: Uncertain significance for Hereditary cancer-predisposing syndrome. Last evaluated: 2025-04-05. Review status: criteria provided, single submitter. Criteria: Ambry Variant Classification Scheme 2023. Collection method: clinical testing. Allele origin: germline.
Comment: The p.N638T variant (also known as c.1913A>C), located in coding exon 7 of the BLM gene, results from an A to C substitution at nucleotide position 1913. The asparagine at codon 638 is replaced by threonine, an amino acid with similar properties. This amino acid position is well conserved in available vertebrate species. In addition, this alteration is predicted to be tolerated by in silico analysis. Since supporting evidence is limited at this time, the clinical significance of this alteration remains unclear.

GeneDx
Classification: Uncertain significance. Last evaluated: 2024-08-28. Review status: criteria provided, single submitter. Criteria: GeneDx Variant Classification Process June 2021. Collection method: clinical testing. Allele origin: germline. Affected: yes.
Comment: Not observed at significant frequency in large population cohorts (gnomAD); In silico analysis supports that this missense variant has a deleterious effect on protein structure/function; Has not been previously published as pathogenic or benign to our knowledge; This variant is associated with the following publications: (PMID: 24728327)

ITMI
No classification provided. Condition: AllHighlyPenetrant. Last evaluated: 2013-09-19. Review status: no classification provided. Collection method: reference population. Allele origin: germline. Not counted in ClinVar's aggregate classification.
Comment: Please see associated publication for description of ethnicities

Literature cited by the submitters: PubMed 24728327 (cited by ITMI).

NM_000057.4(BLM):c.1913A>C (p.Asn638Thr)

Gene: BLM (BLM RecQ like helicase; plus strand). Cytogenetic location: 15q26.1.
Variant type: single nucleotide variant.
Coding change: c.1913A>C on transcript NM_000057.4 (MANE Select); coding-DNA position 1913, A replaced by C.
Protein change: p.Asn638Thr; replaces asparagine 638 with threonine.
Molecular consequence: missense variant.
Genome position (GRCh38, 1-based): chr15:90,762,996, A>C. VCF-style: chr15-90762996-A-C. GRCh37 (hg19) VCF-style: chr15-91306226-A-C.
Other names: c.1913A>C, p.Asn638Thr (NM_001287246.2, NM_001287247.2); c.788A>C, p.Asn263Thr (NM_001287248.2); short protein forms N638T, N263T.
Identifiers: ClinVar variation 133716 (VCV000133716.12), dbSNP rs587778110, ClinGen allele CA157451.
Genomic context (GRCh38, chr15:90,762,996, plus strand): 5'-GATTTTTCTTAACGTTGATTATTTTCCTAGACAAGTCAGCACAAAATTTAGCATCCAGAA[A>C]TCTGAAACATGAGCGTTTCCAAAGTCTTAGTTTTCCTCATACAAAGGAAATGATGAAGAT-3'
Protein context (NP_000048.1, residues 628-648): DKSAQNLASR[Asn638Thr]LKHERFQSLS